The following is an entry in ClinVar:

NM_001754.5(RUNX1):c.58+2dup

Gene: RUNX1 (RUNX family transcription factor 1; minus strand). Cytogenetic location: 21q22.12.
Variant type: Duplication.
Coding change: c.58+2dup on transcript NM_001754.5 (MANE Select); the canonical splice donor site of the intron after coding-DNA position 58, one base duplicated (T; older notation c.58+2dupT).
Molecular consequence: splice donor variant.
Genome position (GRCh38, 1-based): chr21:35,048,840, A duplicated on the plus strand (T on the coding strand, the reverse complement: RUNX1 is on the minus strand). VCF-style (leftmost placement, unchanged base first): chr21-35048839-C-CA. GRCh37 (hg19) VCF-style: chr21-36421136-C-CA.
Identifiers: ClinVar variation 4629719 (VCV004629719.1).
Genomic context (GRCh38, chr21:35,048,839, plus strand): 5'-CTGCCATTTCATTACAGGCAAAGCTGAGCAAAAGTAGATATTACAAGACCAGCATGTACT[C>CA]ACCTCTCATGAAGCACTGTGGGTACGAAGGAAATGACTCAAATATGCTGTCTGAAGCCAT-3'

ClinVar aggregate classification (germline): Uncertain significance (1 of 4 stars; one submission).

Conditions:
Inborn genetic diseases. Identifiers: MedGen C0950123, MeSH D030342.

Submission:

Ambry Genetics
Classification: Uncertain significance for Inborn genetic diseases. Last evaluated: 2025-12-10. Review status: criteria provided, single submitter. Criteria: Ambry Variant Classification Scheme 2023. Collection method: clinical testing. Allele origin: germline.
Comment: The c.58+2dupT intronic variant results from a duplication of one nucleotide at the +2 position in intron 1 of the RUNX1 gene. This nucleotide position is highly conserved in available vertebrate species. In silico splice site analysis predicts that this alteration will weaken the native splice donor site; however, direct evidence is insufficient (Ambry internal data). Based on the available evidence, the clinical significance of this variant remains unclear.